The following is an entry in ClinVar:

ClinVar aggregate classification (germline): Uncertain significance. Review status: criteria provided, single submitter (1 of 4 stars). 2 submissions from 2 submitters: Uncertain significance (1). 1 of the submissions does not count toward it. Last evaluated 2021-08-30.

Conditions:
Autosomal recessive limb-girdle muscular dystrophy type 2A (LGMDR1). Also called: Calpainopathy; Limb-girdle muscular dystrophy, type 2A; LEYDEN-MOEBIUS MUSCULAR DYSTROPHY; MUSCULAR DYSTROPHY, PELVOFEMORAL; Muscular dystrophy, limb-girdle, type 2A, Amish. Identifiers: Orphanet 267, MedGen C1869123, MONDO:0009675, OMIM 253600. Disease mechanism: loss of function.

gnomAD v4.1: 5 of 1,614,182 alleles (0.00031%); highest among the groups gnomAD compares: East Asian, 0.011%; no homozygotes.

Submissions (2):

Labcorp Genetics (formerly Invitae), Labcorp
Classification: Uncertain significance for Autosomal recessive limb-girdle muscular dystrophy type 2A. Last evaluated: 2021-08-30. Review status: criteria provided, single submitter. Criteria: Invitae Variant Classification Sherloc (09022015). Collection method: clinical testing. Allele origin: germline.
Comment: This sequence change replaces valine with leucine at codon 555 of the CAPN3 protein (p.Val555Leu). The valine residue is highly conserved and there is a small physicochemical difference between valine and leucine. This variant is present in population databases (rs138172448, ExAC 0.06%). This variant has not been reported in the literature in individuals affected with CAPN3-related conditions. Algorithms developed to predict the effect of missense changes on protein structure and function are either unavailable or do not agree on the potential impact of this missense change (SIFT: "Deleterious"; PolyPhen-2: "Probably Damaging"; Align-GVGD: "Class C0"). In summary, the available evidence is currently insufficient to determine the role of this variant in disease. Therefore, it has been classified as a Variant of Uncertain Significance.

Natera, Inc.
Classification: Uncertain significance for Limb-girdle muscular dystrophy type 2A. Last evaluated: 2019-10-28. Review status: no assertion criteria provided. Collection method: clinical testing. Allele origin: germline. Not counted in ClinVar's aggregate classification.

NM_000070.3(CAPN3):c.1663G>C (p.Val555Leu)

Gene: CAPN3 (calpain 3; plus strand). Cytogenetic location: 15q15.1.
Variant type: single nucleotide variant.
Coding change: c.1663G>C on transcript NM_000070.3 (MANE Select); coding-DNA position 1663, G replaced by C.
Protein change: p.Val555Leu; replaces valine 555 with leucine.
Molecular consequence: missense variant.
Genome position (GRCh38, 1-based): chr15:42,402,920, G>C. VCF-style: chr15-42402920-G-C. GRCh37 (hg19) VCF-style: chr15-42695118-G-C.
Other names: c.1663G>C, p.Val555Leu (NM_024344.2); c.1519G>C, p.Val507Leu (NM_173087.2); c.127G>C, p.Val43Leu (NM_173088.2); short protein forms V555L, V43L, V507L.
Identifiers: ClinVar variation 571763 (VCV000571763.6), dbSNP rs138172448, ClinGen allele CA7511460.
Genomic context (GRCh38, chr15:42,402,920, plus strand): 5'-AAAACCTACATCAACATGCGGGAGGTGTCCCAGCGCTTCCGCCTGCCTCCCAGCGAGTAC[G>C]TCATCGTGCCCTCCACCTACGAGCCCCACCAGGAGGGGGAATTCATCCTCCGGGTCTTCT-3'
Protein context (NP_000061.1, residues 545-565): QRFRLPPSEY[Val555Leu]IVPSTYEPHQ